The following is an entry in ClinVar:

NM_004239.4(TRIP11):c.3604A>C (p.Asn1202His)

Gene: TRIP11 (thyroid hormone receptor interactor 11; minus strand). Cytogenetic location: 14q32.12.
Variant type: single nucleotide variant.
Coding change: c.3604A>C on transcript NM_004239.4 (MANE Select); coding-DNA position 3604, A replaced by C.
Protein change: p.Asn1202His; replaces asparagine 1202 with histidine.
Molecular consequence: missense variant.
Genome position (GRCh38, 1-based): chr14:92,004,372, T>G on the plus strand (A>C on the coding strand, the complement: TRIP11 is on the minus strand). VCF-style: chr14-92004372-T-G. GRCh37 (hg19) VCF-style: chr14-92470716-T-G.
Other names: c.3601A>C, p.Asn1201His (NM_001321851.1); short protein forms N1202H, N1201H.
Identifiers: ClinVar variation 290765 (VCV000290765.60), dbSNP rs41301481, ClinGen allele CA7313606.
Genomic context (GRCh38, chr14:92,004,372, plus strand): 5'-CCATTTTCTTTACTTGCTGTTTTAACTTGTCACGTTCCTGTAGAAGCTCCTCAAATTGAT[T>G]ACTATTAACACCTCCAGCCTCATTACCAGTGCTGGATGTTTGTAAAACTGCCAATAAAGT-3'
Protein context (NP_004230.2, residues 1192-1212): TGNEAGGVNS[Asn1202His]QFEELLQERD

ClinVar aggregate classification (germline): Conflicting classifications of pathogenicity. Review status: criteria provided, conflicting classifications (1 of 4 stars). 11 submissions from 11 submitters: Uncertain significance (1); Benign (1); Likely benign (8). 1 of the submissions does not count toward it. Last evaluated 2026-05-14.

Conditions:
Connective tissue disorder. Also called: Connective tissue disease. Identifiers: MedGen C0009782, MONDO:0003900.
Inborn genetic diseases. Identifiers: MedGen C0950123, MeSH D030342.
Achondrogenesis, type IA (ACG1A). Identifiers: Orphanet 932, Orphanet 93299, MedGen C0265273, MONDO:0008701, OMIM 200600.
TRIP11-related disorder. Also called: TRIP11-related condition; TRIP11-Related Disorders.

Allele frequency attached by ClinVar (database versions not stated): 1000 Genomes Project 0.00080; 1000 Genomes Project 30x 0.00094; TOPMed 0.00209; gnomAD 0.00236; ESP Exome Variant Server 0.00261.
gnomAD v4.1: 4,954 of 1,614,126 alleles (0.31%); highest among the groups gnomAD compares: Non-Finnish European, 0.37%; 15 homozygotes.

Submissions (11):

Women's Health and Genetics/Laboratory Corporation of America, LabCorp
Classification: Likely benign. Last evaluated: 2026-05-14. Review status: criteria provided, single submitter. Criteria: LabCorp Variant Classification Summary - May 2015. Collection method: clinical testing. Allele origin: germline.
Comment: Variant summary: TRIP11 c.3604A>C (p.Asn1202His) results in a conservative amino acid change in the encoded protein sequence. Algorithms developed to predict the effect of missense changes on protein structure and function are either unavailable or do not agree on the potential impact of this missense change. The variant allele was found at a frequency of 0.002 in 251170 control chromosomes, predominantly at a frequency of 0.0029 within the Non-Finnish European subpopulation in the gnomAD database, including 2 homozygotes. The observed variant frequency within Non-Finnish European control individuals in the gnomAD database exceeds the estimated maximal expected allele frequency for disease-causing variants in TRIP11. To our knowledge, no occurrence of c.3604A>C in individuals affected with TRIP11-related conditions and no experimental evidence demonstrating its impact on protein function have been reported. ClinVar contains an entry for this variant (Variation ID: 290765). Based on the evidence outlined above, the variant was classified as likely benign.

Labcorp Genetics (formerly Invitae), Labcorp
Classification: Likely benign for Achondrogenesis, type IA. Last evaluated: 2026-01-27. Review status: criteria provided, single submitter. Criteria: Invitae Variant Classification Sherloc (09022015). Collection method: clinical testing. Allele origin: germline.

ARUP Laboratories, Molecular Genetics and Genomics, ARUP Laboratories
Classification: Likely benign. Last evaluated: 2025-05-15. Review status: criteria provided, single submitter. Criteria: ARUP Molecular Germline Variant Investigation Process 2024. Collection method: clinical testing. Allele origin: germline.

Blueprint Genetics
Classification: Likely benign. Last evaluated: 2024-11-22. Review status: criteria provided, single submitter. Criteria: ACMG Guidelines, 2015. Collection method: clinical testing. Allele origin: germline.

CeGaT Center for Human Genetics Tuebingen
Classification: Likely benign. Last evaluated: 2023-02-01. Review status: criteria provided, single submitter. Criteria: CeGaT Center For Human Genetics Tuebingen Variant Classification Criteria Version 2. Collection method: clinical testing. Allele origin: germline. Affected: yes. Observed: 2 variant alleles.
Comment: TRIP11: BS2

Ambry Genetics
Classification: Uncertain significance for Inborn genetic diseases. Last evaluated: 2022-11-18. Review status: criteria provided, single submitter. Criteria: Ambry Variant Classification Scheme 2023. Collection method: clinical testing. Allele origin: germline.

Genome Diagnostics Laboratory, The Hospital for Sick Children
Classification: Benign for Connective tissue disorder. Last evaluated: 2022-03-17. Review status: criteria provided, single submitter. Criteria: ACMG Guidelines, 2015. Collection method: clinical testing. Allele origin: germline.

GeneDx
Classification: Likely benign. Last evaluated: 2020-06-22. Review status: criteria provided, single submitter. Criteria: GeneDx Variant Classification Process June 2021. Collection method: clinical testing. Allele origin: germline. Affected: yes.

Illumina Laboratory Services, Illumina
Classification: Likely benign for Achondrogenesis, type IA. Last evaluated: 2018-01-13. Review status: criteria provided, single submitter. Criteria: ICSL Variant Classification Criteria 13 December 2019. Collection method: clinical testing. Allele origin: germline.
Comment: This variant was observed in the ICSL laboratory as part of a predisposition screen in an ostensibly healthy population. It had not been previously curated by ICSL or reported in the Human Gene Mutation Database (HGMD: prior to June 1st, 2018), and was therefore a candidate for classification through an automated scoring system. Utilizing variant allele frequency, disease prevalence and penetrance estimates, and inheritance mode, an automated score was calculated to assess if this variant is too frequent to cause the disease. Based on the score and internal cut-off values, a variant classified as likely benign is not then subjected to further curation. The score for this variant resulted in a classification of likely benign for this disease.

Eurofins Ntd Llc (ga)
Classification: Likely benign. Last evaluated: 2016-09-01. Review status: criteria provided, single submitter. Criteria: EGL Classification Definitions 2015. Collection method: clinical testing. Allele origin: germline. Observed: 1 variant allele, 1 heterozygote.

PreventionGenetics, part of Exact Sciences
Classification: Likely benign for TRIP11-related condition. Last evaluated: 2022-02-14. Review status: no assertion criteria provided. Collection method: clinical testing. Allele origin: germline. Not counted in ClinVar's aggregate classification.
Comment: This variant is classified as likely benign based on ACMG/AMP sequence variant interpretation guidelines (Richards et al. 2015 PMID: 25741868, with internal and published modifications).